The following is an entry in ClinVar:

ClinVar aggregate classification (germline): Likely benign. Review status: criteria provided, single submitter (1 of 4 stars). 2 submissions from 1 submitter: Likely benign (2). Last evaluated 2018-01-13.

Conditions:
Jervell and Lange-Nielsen syndrome 2 (JLNS2). Identifiers: Orphanet 768, Orphanet 90647, MedGen C2676723, MONDO:0012871, OMIM 612347.
Long QT syndrome 5 (LQT5). Identifiers: Orphanet 101016, Orphanet 768, MedGen C1867904, MONDO:0013372, OMIM 613695.

Allele frequency attached by ClinVar (database versions not stated): gnomAD 0.00083; 1000 Genomes Project 0.00100.

Submissions (2):

Illumina Laboratory Services, Illumina
Classification: Likely benign for Jervell and Lange-Nielsen syndrome 2. Last evaluated: 2018-01-13. Review status: criteria provided, single submitter. Criteria: ICSL Variant Classification Criteria 13 December 2019. Collection method: clinical testing. Allele origin: germline.
Comment: This variant was observed in the ICSL laboratory as part of a predisposition screen in an ostensibly healthy population. It had not been previously curated by ICSL or reported in the Human Gene Mutation Database (HGMD: prior to June 1st, 2018), and was therefore a candidate for classification through an automated scoring system. Utilizing variant allele frequency, disease prevalence and penetrance estimates, and inheritance mode, an automated score was calculated to assess if this variant is too frequent to cause the disease. Based on the score and internal cut-off values, a variant classified as likely benign is not then subjected to further curation. The score for this variant resulted in a classification of likely benign for this disease.

Illumina Laboratory Services, Illumina
Classification: Likely benign for Long QT syndrome 5. Last evaluated: 2018-01-13. Review status: criteria provided, single submitter. Criteria: ICSL Variant Classification Criteria 13 December 2019. Collection method: clinical testing. Allele origin: germline.
Comment: the same text as in the submission from Illumina Laboratory Services, Illumina above.

NM_000219.6(KCNE1):c.*1838T>A

Gene: KCNE1 (potassium voltage-gated channel subfamily E regulatory subunit 1; minus strand). Cytogenetic location: 21q22.12.
Variant type: single nucleotide variant.
Coding change: c.*1838T>A on transcript NM_000219.6 (MANE Select); 1838 bases downstream of the stop codon, T replaced by A.
Molecular consequence: 3 prime UTR variant.
Genome position (GRCh38, 1-based): chr21:34,447,407, A>T on the plus strand (T>A on the coding strand, the complement: KCNE1 is on the minus strand). VCF-style: chr21-34447407-A-T. GRCh37 (hg19) VCF-style: chr21-35819705-A-T.
Other names: c.*1838T>A (NM_001127668.4, NM_001127669.4, NM_001127670.4 and 4 more transcripts).
Identifiers: ClinVar variation 339737 (VCV000339737.6), dbSNP rs41312369, ClinGen allele CA10652884.
Genomic context (GRCh38, chr21:34,447,407, plus strand): 5'-TCACTAGACTTTCAGAGGACTTTGTAACCCAAAGAACCACTCATCTCAAGGACTGTGGTA[A>T]CTCAGGGGCTGAGCCATGCCAGTGTTTATTATGTGAAACAAGGACTGGAACCTCACAAGA-3'